The following is an entry in ClinVar:

NM_000535.7(PMS2):c.931C>G (p.His311Asp)

Gene: PMS2 (PMS1 homolog 2, mismatch repair system component; minus strand). Cytogenetic location: 7p22.1.
Variant type: single nucleotide variant.
Coding change: c.931C>G on transcript NM_000535.7 (MANE Select); coding-DNA position 931, C replaced by G.
Protein change: p.His311Asp; replaces histidine 311 with aspartic acid.
Molecular consequence: missense variant. On other transcripts: 5 prime UTR variant (2), non-coding transcript variant (1).
Genome position (GRCh38, 1-based): chr7:5,992,030, G>C on the plus strand (C>G on the coding strand, the complement: PMS2 is on the minus strand). VCF-style: chr7-5992030-G-C. GRCh37 (hg19) VCF-style: chr7-6031661-G-C.
Other names: c.526C>G, p.His176Asp (NM_001018040.1, NM_001322003.2, NM_001322004.2 and 20 more transcripts); c.931C>G, p.His311Asp (NM_001322006.2, NM_001322014.2, NM_001406870.1 and 2 more transcripts); c.613C>G, p.His205Asp (NM_001322007.2, NM_001322008.2, NM_001406876.1 and 4 more transcripts); c.-3C>G (NM_001322011.2, NM_001322012.2); c.358C>G, p.His120Asp (NM_001322013.2, NM_001406909.1); c.622C>G, p.His208Asp (NM_001322015.2, NM_001406875.1, NM_001406877.1 and 6 more transcripts); c.1117C>G, p.His373Asp (NM_001406866.1); c.955C>G, p.His319Asp (NM_001406868.1); and 7 more; short protein forms H120D, H140D, H176D, H189D, H199D, H205D, H208D, H245D.
Identifiers: ClinVar variation 1717109 (VCV001717109.5), dbSNP rs2128755904, ClinGen allele CA366743173.

ClinVar aggregate classification (germline): Uncertain significance (1 of 4 stars; one submission).

Conditions:
Hereditary nonpolyposis colorectal neoplasms. Identifiers: MedGen C0009405, MeSH D003123.

Submission:

Labcorp Genetics (formerly Invitae), Labcorp
Classification: Uncertain significance for Hereditary nonpolyposis colorectal neoplasms. Last evaluated: 2022-08-24. Review status: criteria provided, single submitter. Criteria: Invitae Variant Classification Sherloc (09022015). Collection method: clinical testing. Allele origin: germline.
Comment: Advanced modeling of protein sequence and biophysical properties (such as structural, functional, and spatial information, amino acid conservation, physicochemical variation, residue mobility, and thermodynamic stability) performed at Invitae indicates that this missense variant is not expected to disrupt PMS2 protein function. In summary, the available evidence is currently insufficient to determine the role of this variant in disease. Therefore, it has been classified as a Variant of Uncertain Significance. This variant has not been reported in the literature in individuals affected with PMS2-related conditions. This sequence change replaces histidine, which is basic and polar, with aspartic acid, which is acidic and polar, at codon 311 of the PMS2 protein (p.His311Asp). This variant is not present in population databases (gnomAD no frequency).